The following is an entry in ClinVar:

NM_203446.3(SYNJ1):c.*388G>A

Gene: SYNJ1 (synaptojanin 1; minus strand). Cytogenetic location: 21q22.11.
Variant type: single nucleotide variant.
Coding change: c.*388G>A on transcript NM_203446.3 (MANE Select); 388 bases downstream of the stop codon, G replaced by A.
Molecular consequence: 3 prime UTR variant. On other transcripts: missense variant (2).
Genome position (GRCh38, 1-based): chr21:32,631,417, C>T on the plus strand (G>A on the coding strand, the complement: SYNJ1 is on the minus strand). VCF-style: chr21-32631417-C-T. GRCh37 (hg19) VCF-style: chr21-34003727-C-T.
Other names: c.*388G>A (NM_001160302.2); c.4159G>A, p.Glu1387Lys (NM_001160306.2); c.4417G>A, p.Glu1473Lys (NM_003895.4); short protein forms E1473K, E1387K.
Identifiers: ClinVar variation 1477809 (VCV001477809.8), dbSNP rs1283277174, ClinGen allele CA410081710.

ClinVar aggregate classification (germline): Uncertain significance (1 of 4 stars; one submission).

Conditions:
Developmental and epileptic encephalopathy, 53. Also called: Epileptic encephalopathy, early infantile, 53. Identifiers: MedGen C4479313, MONDO:0033362, OMIM 617389.
Early-onset Parkinson disease 20. Also called: PARKINSON DISEASE 20, AUTOSOMAL RECESSIVE EARLY-ONSET. Identifiers: Orphanet 391411, MedGen C3809824, MONDO:0014233, OMIM 615530.

Allele frequency attached by ClinVar (database versions not stated): gnomAD exomes below 0.00001; gnomAD 0.00001; TOPMed 0.00002.
gnomAD v4.1: 4 of 1,614,066 alleles (0.00025%); highest among the groups gnomAD compares: African/African-American, 0.0027%; no homozygotes.

Submission:

Labcorp Genetics (formerly Invitae), Labcorp
Classification: Uncertain significance for Developmental and epileptic encephalopathy, 53; Early-onset Parkinson disease 20. Last evaluated: 2022-07-19. Review status: criteria provided, single submitter. Criteria: Invitae Variant Classification Sherloc (09022015). Collection method: clinical testing. Allele origin: germline.
Comment: In summary, the available evidence is currently insufficient to determine the role of this variant in disease. Therefore, it has been classified as a Variant of Uncertain Significance. Algorithms developed to predict the effect of missense changes on protein structure and function (SIFT, PolyPhen-2, Align-GVGD) all suggest that this variant is likely to be tolerated. ClinVar contains an entry for this variant (Variation ID: 1477809). This variant has not been reported in the literature in individuals affected with SYNJ1-related conditions. This variant is not present in population databases (gnomAD no frequency). This sequence change replaces glutamic acid, which is acidic and polar, with lysine, which is basic and polar, at codon 1473 of the SYNJ1 protein (p.Glu1473Lys).